The following is an entry in ClinVar:

ClinVar aggregate classification (germline): Likely benign (1 of 4 stars; one submission).

gnomAD v4.1: 1,002 of 1,461,106 alleles (0.069%); highest among the groups gnomAD compares: African/African-American, 1.2%; 8 homozygotes.

Submission:

CeGaT Center for Human Genetics Tuebingen
Classification: Likely benign. Last evaluated: 2026-04-01. Review status: criteria provided, single submitter. Criteria: CeGaT Center For Human Genetics Tuebingen Variant Classification Criteria Version 2. Collection method: clinical testing. Allele origin: germline. Affected: yes. Observed: 1 variant allele.
Comment: BRSK2: BP4, BP7, BS1

NM_001256627.2(BRSK2):c.2196C>A (p.Arg732=)

Gene: BRSK2 (BR serine/threonine kinase 2; plus strand). Cytogenetic location: 11p15.5.
Variant type: single nucleotide variant.
Coding change: c.2196C>A on transcript NM_001256627.2 (MANE Select); coding-DNA position 2196, C replaced by A.
Protein change: p.Arg732=; no amino-acid change (arginine 732 retained).
Molecular consequence: synonymous variant. On other transcripts: intron variant (14).
Genome position (GRCh38, 1-based): chr11:1,460,708, C>A. VCF-style: chr11-1460708-C-A. GRCh37 (hg19) VCF-style: chr11-1481938-C-A.
Other names: c.2286C>A, p.Arg762= (NM_001256630.1); c.2016C>A, p.Arg672= (NM_001440669.1); c.2420-262C>A (NM_001440665.1); c.2054-262C>A (NM_001440668.1); c.2006-262C>A (NM_001440670.1); c.2354-262C>A (NM_001440666.1); c.*10-262C>A (NM_001256629.2, NM_001282218.2); c.1988-262C>A (NM_003957.4); and 5 more.
Identifiers: ClinVar variation 4872499 (VCV004872499.2).
Genomic context (GRCh38, chr11:1,460,708, plus strand): 5'-AGGGGACGCCGAGTACCCAACGGGCAAGGACACGGCCAAGATGGGCCCGCCCACCGCCCG[C>A]CGCGAGCAGCCTTAGACACACTAGCCCCCCCCCCCAGCACAGCACTGACAGCGGCTGCCT-3'
Protein context (NP_001243556.1, residues 722-736): DTAKMGPPTA[Arg732=]REQP